The following is an entry in ClinVar:

NM_000465.4(BARD1):c.143T>A (p.Leu48Gln)

Gene: BARD1 (BRCA1 associated RING domain 1; minus strand). Cytogenetic location: 2q35.
Variant type: single nucleotide variant.
Coding change: c.143T>A on transcript NM_000465.4 (MANE Select); coding-DNA position 143, T replaced by A.
Protein change: p.Leu48Gln; replaces leucine 48 with glutamine.
Molecular consequence: missense variant. On other transcripts: non-coding transcript variant (3).
Genome position (GRCh38, 1-based): chr2:214,809,427, A>T on the plus strand (T>A on the coding strand, the complement: BARD1 is on the minus strand). VCF-style: chr2-214809427-A-T. GRCh37 (hg19) VCF-style: chr2-215674151-A-T.
Other names: c.143T>A, p.Leu48Gln (NM_001282543.2, NM_001282545.2, NM_001282548.2 and 1 more transcripts); c.143T>A (NM_000465.2); short protein forms L48Q.
Identifiers: ClinVar variation 663880 (VCV000663880.15), dbSNP rs1574868968, ClinGen allele CA350464806.

ClinVar aggregate classification (germline): Uncertain significance. Review status: criteria provided, multiple submitters, no conflicts (2 of 4 stars). 4 submissions from 4 submitters: Uncertain significance (4). Last evaluated 2025-10-14.

Conditions:
Familial cancer of breast. Also called: BREAST CANCER, FAMILIAL; hereditary breast carcinoma; Hereditary breast cancer. Identifiers: Orphanet 227535, MedGen C0346153, MONDO:0016419, OMIM 114480. Disease mechanism: loss of function.
Hereditary cancer-predisposing syndrome. Also called: Neoplastic Syndromes, Hereditary; Tumor predisposition; Hereditary neoplastic syndrome; Hereditary Cancer Syndrome. Identifiers: Orphanet 140162, MedGen C0027672, MeSH D009386, MONDO:0015356.

Submissions (4):

Ambry Genetics
Classification: Uncertain significance for Hereditary cancer-predisposing syndrome. Last evaluated: 2025-10-14. Review status: criteria provided, single submitter. Criteria: Ambry Variant Classification Scheme 2023. Collection method: clinical testing. Allele origin: germline.
Comment: The p.L48Q variant (also known as c.143T>A), located in coding exon 1 of the BARD1 gene, results from a T to A substitution at nucleotide position 143. The leucine at codon 48 is replaced by glutamine, an amino acid with dissimilar properties. This amino acid position is highly conserved in available vertebrate species. In addition, this alteration is predicted to be deleterious by in silico analysis. Since supporting evidence is limited at this time, the clinical significance of this alteration remains unclear.

Labcorp Genetics (formerly Invitae), Labcorp
Classification: Uncertain significance for Familial cancer of breast. Last evaluated: 2024-11-05. Review status: criteria provided, single submitter. Criteria: Invitae Variant Classification Sherloc (09022015). Collection method: clinical testing. Allele origin: germline.
Comment: This sequence change replaces leucine, which is neutral and non-polar, with glutamine, which is neutral and polar, at codon 48 of the BARD1 protein (p.Leu48Gln). This variant is not present in population databases (gnomAD no frequency). This variant has not been reported in the literature in individuals affected with BARD1-related conditions. ClinVar contains an entry for this variant (Variation ID: 663880). An algorithm developed to predict the effect of missense changes on protein structure and function (PolyPhen-2) suggests that this variant is likely to be disruptive. In summary, the available evidence is currently insufficient to determine the role of this variant in disease. Therefore, it has been classified as a Variant of Uncertain Significance.

GeneDx
Classification: Uncertain significance. Last evaluated: 2024-03-08. Review status: criteria provided, single submitter. Criteria: GeneDx Variant Classification Process June 2021. Collection method: clinical testing. Allele origin: germline. Affected: yes.
Comment: Not observed at significant frequency in large population cohorts (gnomAD); In silico analysis supports that this missense variant has a deleterious effect on protein structure/function; Has not been previously published as pathogenic or benign to our knowledge; This variant is associated with the following publications: (PMID: 18480049)

Color Diagnostics, LLC DBA Color Health
Classification: Uncertain significance for Hereditary cancer-predisposing syndrome. Last evaluated: 2023-12-05. Review status: criteria provided, single submitter. Criteria: ACMG Guidelines, 2015. Collection method: clinical testing. Allele origin: germline.
Comment: This missense variant replaces leucine with glutamine at codon 48 of the BARD1 protein. Computational prediction suggests that this variant may have deleterious impact on protein structure and function (internally defined REVEL score threshold >= 0.7, PMID: 27666373). To our knowledge, functional studies have not been reported for this variant. This variant has not been reported in individuals affected with BARD1-related disorders in the literature. This variant has not been identified in the general population by the Genome Aggregation Database (gnomAD). The available evidence is insufficient to determine the role of this variant in disease conclusively. Therefore, this variant is classified as a Variant of Uncertain Significance.